The following is an entry in ClinVar:

ClinVar aggregate classification (germline): Uncertain significance. Review status: criteria provided, multiple submitters, no conflicts (2 of 4 stars). 3 submissions from 3 submitters: Uncertain significance (2). 1 of the submissions does not count toward it. Last evaluated 2025-01-26.

Conditions:
EHHADH-related disorder. Also called: EHHADH-related condition.

Allele frequency attached by ClinVar (database versions not stated): gnomAD 0.00001; TOPMed 0.00006; gnomAD exomes 0.00008 and 0.00018; ExAC 0.00013.
gnomAD v4.1: 48 of 1,614,064 alleles (0.003%); highest among the groups gnomAD compares: Admixed American, 0.08%; no homozygotes.

Submissions (3):

Ambry Genetics
Classification: Uncertain significance. Last evaluated: 2025-01-26. Review status: criteria provided, single submitter. Criteria: Ambry Variant Classification Scheme 2023. Collection method: clinical testing. Allele origin: germline.

Eurofins Ntd Llc (ga)
Classification: Uncertain significance. Last evaluated: 2018-03-27. Review status: criteria provided, single submitter. Criteria: EGL ClinVar v180209 classification definitions. Collection method: clinical testing. Allele origin: germline. Observed: 1 variant allele, 1 heterozygote.

PreventionGenetics, part of Exact Sciences
Classification: Likely benign for EHHADH-related condition. Last evaluated: 2021-10-14. Review status: no assertion criteria provided. Collection method: clinical testing. Allele origin: germline. Not counted in ClinVar's aggregate classification.
Comment: This variant is classified as likely benign based on ACMG/AMP sequence variant interpretation guidelines (Richards et al. 2015 PMID: 25741868, with internal and published modifications).

NM_001966.4(EHHADH):c.2078A>G (p.Glu693Gly)

Gene: EHHADH (enoyl-CoA hydratase and 3-hydroxyacyl CoA dehydrogenase; minus strand). Cytogenetic location: 3q27.2.
Variant type: single nucleotide variant.
Coding change: c.2078A>G on transcript NM_001966.4 (MANE Select); coding-DNA position 2078, A replaced by G.
Protein change: p.Glu693Gly; replaces glutamic acid 693 with glycine.
Molecular consequence: missense variant.
Genome position (GRCh38, 1-based): chr3:185,192,320, T>C on the plus strand (A>G on the coding strand, the complement: EHHADH is on the minus strand). VCF-style: chr3-185192320-T-C. GRCh37 (hg19) VCF-style: chr3-184910108-T-C.
Other names: c.1790A>G, p.Glu597Gly (NM_001166415.2); c.2078A>G (NM_001966.3); short protein forms E693G, E597G.
Identifiers: ClinVar variation 596654 (VCV000596654.8), dbSNP rs747498106, ClinGen allele CA2738860.